The following is an entry in ClinVar:

ClinVar aggregate classification (germline): Likely benign (1 of 4 stars; one submission).

Allele frequency attached by ClinVar (database versions not stated): 1000 Genomes Project 30x 0.00078; 1000 Genomes Project 0.00080; ExAC 0.00228; gnomAD 0.00229; ESP Exome Variant Server 0.00231; gnomAD exomes 0.00240; TOPMed 0.00317.
gnomAD v4.1: 3,985 of 1,613,320 alleles (0.25%); highest among the groups gnomAD compares: Middle Eastern, 1.6%; 12 homozygotes.

Submission:

CeGaT Center for Human Genetics Tuebingen
Classification: Likely benign. Last evaluated: 2024-12-01. Review status: criteria provided, single submitter. Criteria: CeGaT Center For Human Genetics Tuebingen Variant Classification Criteria Version 2. Collection method: clinical testing. Allele origin: germline. Affected: yes. Observed: 2 variant alleles.
Comment: BRPF3: BP4

NM_015695.3(BRPF3):c.3055A>G (p.Ser1019Gly)

Gene: BRPF3 (bromodomain and PHD finger containing 3; plus strand). Cytogenetic location: 6p21.31.
Variant type: single nucleotide variant.
Coding change: c.3055A>G on transcript NM_015695.3 (MANE Select); coding-DNA position 3055, A replaced by G.
Protein change: p.Ser1019Gly; replaces serine 1019 with glycine.
Molecular consequence: missense variant.
Genome position (GRCh38, 1-based): chr6:36,217,982, A>G. VCF-style: chr6-36217982-A-G. GRCh37 (hg19) VCF-style: chr6-36185759-A-G.
Other names: short protein forms S1019G.
Identifiers: ClinVar variation 2673058 (VCV002673058.23), dbSNP rs145016452, ClinGen allele CA3777441.